The following is an entry in ClinVar:

NM_001039876.3(SYNE4):c.59C>T (p.Pro20Leu)

Gene: SYNE4 (spectrin repeat containing nuclear envelope family member 4; minus strand). Cytogenetic location: 19q13.12.
Variant type: single nucleotide variant.
Coding change: c.59C>T on transcript NM_001039876.3 (MANE Select); coding-DNA position 59, C replaced by T.
Protein change: p.Pro20Leu; replaces proline 20 with leucine.
Molecular consequence: missense variant.
Genome position (GRCh38, 1-based): chr19:36,008,623, G>A on the plus strand (C>T on the coding strand, the complement: SYNE4 is on the minus strand). VCF-style: chr19-36008623-G-A. GRCh37 (hg19) VCF-style: chr19-36499525-G-A.
Other names: c.59C>T, p.Pro20Leu (NM_001297735.3); short protein forms P20L.
Identifiers: ClinVar variation 666763 (VCV000666763.4), dbSNP rs1450675140, ClinGen allele CA405437083.

ClinVar aggregate classification (germline): Likely benign (1 of 4 stars; one submission).

Allele frequency attached by ClinVar (database versions not stated): gnomAD exomes below 0.00001 and 0.00002; gnomAD 0.00001; TOPMed 0.00002.
gnomAD v4.1: 23 of 1,613,944 alleles (0.0014%); highest among the groups gnomAD compares: East Asian, 0.0045%; no homozygotes.

Submission:

Laboratory for Molecular Medicine, Mass General Brigham Personalized Medicine
Classification: Likely benign. Last evaluated: 2018-06-28. Review status: criteria provided, single submitter. Criteria: LMM Criteria. Collection method: clinical testing. Allele origin: germline. Observed: 1 variant allele.
Comment: The p.Pro20Leu variant in SYNE4 is classified as likely benign due to a lack of conservation across species, including mammals. Of note, Chinese hamster, golden hamster, mouse and rat have a leucine (Leu) at this position. It has been ident ified in 1/ 17242 East Asian chromosomes by the Genome Aggregation Database (gno mAD). ACMG/AMP Criteria applied: BP4_Strong.